The following is an entry in ClinVar:

ClinVar aggregate classification (germline): Pathogenic (1 of 4 stars; one submission).

Submission:

Labcorp Genetics (formerly Invitae), Labcorp
Classification: Pathogenic. Last evaluated: 2023-11-10. Review status: criteria provided, single submitter. Criteria: Invitae Variant Classification Sherloc (09022015). Collection method: clinical testing. Allele origin: germline.
Comment: This sequence change creates a premature translational stop signal (p.Asp254Valfs*78) in the AGXT gene. It is expected to result in an absent or disrupted protein product. Loss-of-function variants in AGXT are known to be pathogenic (PMID: 19479957). This variant is not present in population databases (gnomAD no frequency). This variant has not been reported in the literature in individuals affected with AGXT-related conditions. Algorithms developed to predict the effect of sequence changes on RNA splicing suggest that this variant may create or strengthen a splice site. For these reasons, this variant has been classified as Pathogenic.

Literature cited by the submitters: PubMed 19479957.

NM_000030.3(AGXT):c.760_761insT (p.Asp254fs)

Gene: AGXT (alanine--glyoxylate aminotransferase; plus strand). Cytogenetic location: 2q37.3.
Variant type: Insertion.
Coding change: c.760_761insT on transcript NM_000030.3 (MANE Select); coding-DNA positions 760 to 761, T inserted.
Protein change: p.Asp254fs; shifts the reading frame from aspartic acid 254.
Molecular consequence: frameshift variant.
Genome position: GRCh38 VCF-style: chr2-240875188-G-GT. GRCh37 (hg19) VCF-style: chr2-241814605-G-GT.
Other names: short protein forms D254fs.
Identifiers: ClinVar variation 2694756 (VCV002694756.3), dbSNP rs2528756219, ClinGen allele CA2697550618.